The following is an entry in ClinVar:

ClinVar aggregate classification (germline): Uncertain significance (1 of 4 stars; one submission).

Allele frequency attached by ClinVar (database versions not stated): gnomAD 0.00002 and 0.00003; gnomAD exomes 0.00002 and 0.00003; TOPMed 0.00002; ExAC 0.00005.
gnomAD v4.1: 28 of 1,555,114 alleles (0.0018%); highest among the groups gnomAD compares: Admixed American, 0.0097%; no homozygotes.

Submission:

Labcorp Genetics (formerly Invitae), Labcorp
Classification: Uncertain significance. Last evaluated: 2025-02-03. Review status: criteria provided, single submitter. Criteria: Invitae Variant Classification Sherloc (09022015). Collection method: clinical testing. Allele origin: germline.
Comment: This sequence change replaces arginine, which is basic and polar, with glutamine, which is neutral and polar, at codon 1017 of the GPR179 protein (p.Arg1017Gln). This variant is present in population databases (rs756820312, gnomAD 0.005%). This variant has not been reported in the literature in individuals affected with GPR179-related conditions. ClinVar contains an entry for this variant (Variation ID: 1479107). An algorithm developed to predict the effect of missense changes on protein structure and function outputs the following: PolyPhen-2: "Benign". The glutamine amino acid residue is found in multiple mammalian species, which suggests that this missense change does not adversely affect protein function. In summary, the available evidence is currently insufficient to determine the role of this variant in disease. Therefore, it has been classified as a Variant of Uncertain Significance.

NM_001004334.4(GPR179):c.3050G>A (p.Arg1017Gln)

Gene: GPR179 (G protein-coupled receptor 179; minus strand). Cytogenetic location: 17q12.
Variant type: single nucleotide variant.
Coding change: c.3050G>A on transcript NM_001004334.4 (MANE Select); coding-DNA position 3050, G replaced by A.
Protein change: p.Arg1017Gln; replaces arginine 1017 with glutamine.
Molecular consequence: missense variant.
Genome position (GRCh38, 1-based): chr17:38,330,519, C>T on the plus strand (G>A on the coding strand, the complement: GPR179 is on the minus strand). VCF-style: chr17-38330519-C-T. GRCh37 (hg19) VCF-style: chr17-36486402-C-T.
Other names: short protein forms R1017Q.
Identifiers: ClinVar variation 1479107 (VCV001479107.8), dbSNP rs756820312, ClinGen allele CA290105401.